The following is an entry in ClinVar:

ClinVar aggregate classification (germline): Uncertain significance (1 of 4 stars; one submission).

gnomAD v4.1: 36 of 1,613,450 alleles (0.0022%); highest among the groups gnomAD compares: Non-Finnish European, 0.0029%; no homozygotes.

Submission:

Labcorp Genetics (formerly Invitae), Labcorp
Classification: Uncertain significance. Last evaluated: 2025-12-25. Review status: criteria provided, single submitter. Criteria: Invitae Variant Classification Sherloc (09022015). Collection method: clinical testing. Allele origin: germline.
Comment: This sequence change replaces glutamic acid, which is acidic and polar, with lysine, which is basic and polar, at codon 56 of the KLC2 protein (p.Glu56Lys). This variant is present in population databases (rs769569936, gnomAD 0.006%). This variant has not been reported in the literature in individuals affected with KLC2-related conditions. An algorithm developed to predict the effect of missense changes on protein structure and function (PolyPhen-2) suggests that this variant is likely to be disruptive. In summary, the available evidence is currently insufficient to determine the role of this variant in disease. Therefore, it has been classified as a Variant of Uncertain Significance.

NM_001318734.2(KLC2):c.166G>A (p.Glu56Lys)

Gene: KLC2 (kinesin light chain 2; plus strand). Cytogenetic location: 11q13.2.
Variant type: single nucleotide variant.
Coding change: c.166G>A on transcript NM_001318734.2 (MANE Select); coding-DNA position 166, G replaced by A.
Protein change: p.Glu56Lys; replaces glutamic acid 56 with lysine.
Molecular consequence: missense variant.
Genome position (GRCh38, 1-based): chr11:66,258,760, G>A. VCF-style: chr11-66258760-G-A. GRCh37 (hg19) VCF-style: chr11-66026231-G-A.
Other names: c.166G>A, p.Glu56Lys (NM_001134774.2, NM_001134775.2, NM_001134776.2 and 1 more transcripts); short protein forms E56K.
Identifiers: ClinVar variation 4707470 (VCV004707470.1).